The following is an entry in ClinVar:

NM_006580.4(CLDN16):c.130C>T (p.Arg44Ter)

Gene: CLDN16 (claudin 16; plus strand). Cytogenetic location: 3q28.
Variant type: single nucleotide variant.
Coding change: c.130C>T on transcript NM_006580.4 (MANE Select); coding-DNA position 130, C replaced by T.
Protein change: p.Arg44Ter; replaces arginine 44 with a stop codon.
Molecular consequence: nonsense.
Genome position (GRCh38, 1-based): chr3:190,402,352, C>T. VCF-style: chr3-190402352-C-T. GRCh37 (hg19) VCF-style: chr3-190120141-C-T.
Other names: c.130C>T, p.Arg44Ter (NM_001378492.1, NM_001378493.1); short protein forms R44*.
Identifiers: ClinVar variation 3779533 (VCV003779533.10), dbSNP rs753901053.

ClinVar aggregate classification (germline): Pathogenic/Likely pathogenic. Review status: criteria provided, multiple submitters, no conflicts (2 of 4 stars). 5 submissions from 5 submitters: Pathogenic (3); Likely pathogenic (2). Last evaluated 2026-05-06.

Conditions:
Primary hypomagnesemia (HOMG3). Also called: HYPOMAGNESEMIA 3, RENAL; HYPOMAGNESEMIA, FAMILIAL, WITH HYPERCALCIURIA AND NEPHROCALCINOSIS; HYPOMAGNESEMIA, ISOLATED RENAL; HYPOMAGNESEMIA, PRIMARY, DUE TO DEFECT IN RENAL TUBULAR TRANSPORT OF MAGNESIUM. Identifiers: Orphanet 31043, MedGen C0268448, MONDO:0009550, OMIM 248250.

Submissions (5):

Women's Health and Genetics/Laboratory Corporation of America, LabCorp
Classification: Pathogenic for Primary hypomagnesemia. Last evaluated: 2026-05-06. Review status: criteria provided, single submitter. Criteria: LabCorp Variant Classification Summary - May 2015. Collection method: clinical testing. Allele origin: germline.
Comment: Variant summary: CLDN16 c.130C>T (p.Arg44X), also referred to as c.340C>T (p.Arg114X), results in a premature termination codon, predicted to cause a truncation of the encoded protein or absence of the protein due to nonsense mediated decay, which are commonly known mechanisms for disease. The variant allele was found at a frequency of 1.6e-05 in 251472 control chromosomes. c.130C>T has been observed in a compound heterozygous individual affected with hypomagnesaemia with hypercalciuria and nephrocalcinosis (Hanssen_2014). To our knowledge, no experimental evidence demonstrating an impact on protein function has been reported. The following publication have been ascertained in the context of this evaluation (PMID: 25852890). ClinVar contains an entry for this variant (Variation ID: 3779533). Based on the evidence outlined above, the variant was classified as pathogenic.

CeGaT Center for Human Genetics Tuebingen
Classification: Pathogenic. Last evaluated: 2025-11-01. Review status: criteria provided, single submitter. Criteria: CeGaT Center For Human Genetics Tuebingen Variant Classification Criteria Version 2. Collection method: clinical testing. Allele origin: germline. Affected: yes. Observed: 1 variant allele.
Comment: CLDN16: PVS1, PM2, PM3

MVZ Medizinische Genetik Mainz
Classification: Pathogenic for Primary hypomagnesemia. Last evaluated: 2025-03-06. Review status: criteria provided, single submitter. Criteria: UK Practice Guidelines For Variant Classification V4 01 2020. Collection method: clinical testing. Allele origin: germline. Inheritance: Autosomal recessive inheritance. Affected: yes. Observed: 1 variant allele.
Comment: ACMG Criteria: PVS1,PM3,PM2_SUP,PP4

Department of Pathology and Laboratory Medicine, Sinai Health System
Classification: Likely pathogenic for Primary hypomagnesemia. Last evaluated: 2023-09-27. Review status: criteria provided, single submitter. Criteria: ACMG Guidelines, 2015. Collection method: research. Allele origin: germline.

Department of Pediatric Nephrology, Wuhan Children's Hospital
Classification: Likely pathogenic for Primary hypomagnesemia. Last evaluated: 2020-12-24. Review status: criteria provided, single submitter. Criteria: ACMG Guidelines, 2015. Collection method: clinical testing. Allele origin: germline. Inheritance: Autosomal recessive inheritance. Affected: yes. Observed: 1 compound heterozygote.
Comment: The other mutation is c.158delA. Specially, the c.130C>T variant resided in the first extracellular loop of the protein.

Literature cited by the submitters: PubMed 25852890 (cited by Women's Health and Genetics/Laboratory Corporation of America, LabCorp and Department of Pediatric Nephrology, Wuhan Children's Hospital); PubMed 31479589 (cited by Department of Pediatric Nephrology, Wuhan Children's Hospital).